The following is an entry in ClinVar:

NM_001329943.3(KIAA0586):c.1030C>T (p.Arg344Cys)

Gene: KIAA0586 (KIAA0586; plus strand). Cytogenetic location: 14q23.1.
Variant type: single nucleotide variant.
Coding change: c.1030C>T on transcript NM_001329943.3 (MANE Select); coding-DNA position 1030, C replaced by T.
Protein change: p.Arg344Cys; replaces arginine 344 with cysteine.
Molecular consequence: missense variant.
Genome position (GRCh38, 1-based): chr14:58,450,647, C>T. VCF-style: chr14-58450647-C-T. GRCh37 (hg19) VCF-style: chr14-58917365-C-T.
Other names: c.1030C>T (NM_014749.3); c.1189C>T, p.Arg397Cys (NM_001244189.2); c.985C>T, p.Arg329Cys (NM_001244190.2); c.775C>T, p.Arg259Cys (NM_001244191.2, NM_001329945.2, NM_001364700.1 and 1 more transcripts); c.898C>T, p.Arg300Cys (NM_001244192.2); c.610C>T, p.Arg204Cys (NM_001244193.2); c.1030C>T, p.Arg344Cys (NM_001329944.2, NM_001329946.2, NM_001329947.2 and 1 more transcripts); short protein forms R204C, R329C, R344C, R259C, R300C, R397C.
Identifiers: ClinVar variation 2152879 (VCV002152879.3), dbSNP rs770043217, ClinGen allele CA7205539.

ClinVar aggregate classification (germline): Uncertain significance. Review status: criteria provided, multiple submitters, no conflicts (2 of 4 stars). 2 submissions from 2 submitters: Uncertain significance (2). Last evaluated 2025-08-21.

Conditions:
Short-rib thoracic dysplasia 14 with polydactyly (SRTD14). Identifiers: Orphanet 397715, MedGen C4225286, MONDO:0014688, OMIM 616546.
Joubert syndrome 23 (JBTS23). Identifiers: Orphanet 475, MedGen C4084822, MONDO:0014664, OMIM 616490.
Inborn genetic diseases. Identifiers: MedGen C0950123, MeSH D030342.

Allele frequency attached by ClinVar (database versions not stated): TOPMed below 0.00001; gnomAD 0.00002; gnomAD exomes 0.00006; ExAC 0.00009; 1000 Genomes Project 30x 0.00016.
gnomAD v4.1: 81 of 1,610,488 alleles (0.005%); highest among the groups gnomAD compares: South Asian, 0.081%; 1 homozygote.

Submissions (2):

Ambry Genetics
Classification: Uncertain significance for Inborn genetic diseases. Last evaluated: 2025-08-21. Review status: criteria provided, single submitter. Criteria: Ambry Variant Classification Scheme 2023. Collection method: clinical testing. Allele origin: germline.

Labcorp Genetics (formerly Invitae), Labcorp
Classification: Uncertain significance for Joubert syndrome 23; Short-rib thoracic dysplasia 14 with polydactyly. Last evaluated: 2022-04-25. Review status: criteria provided, single submitter. Criteria: Invitae Variant Classification Sherloc (09022015). Collection method: clinical testing. Allele origin: germline.
Comment: In summary, the available evidence is currently insufficient to determine the role of this variant in disease. Therefore, it has been classified as a Variant of Uncertain Significance. Algorithms developed to predict the effect of missense changes on protein structure and function are either unavailable or do not agree on the potential impact of this missense change (SIFT: "Deleterious"; PolyPhen-2: "Probably Damaging"; Align-GVGD: "Class C0"). This sequence change replaces arginine, which is basic and polar, with cysteine, which is neutral and slightly polar, at codon 397 of the KIAA0586 protein (p.Arg397Cys). This variant is present in population databases (rs770043217, gnomAD 0.09%). This variant has not been reported in the literature in individuals affected with KIAA0586-related conditions.